The following is an entry in ClinVar:

NM_004655.4(AXIN2):c.490C>G (p.Gln164Glu)

Gene: AXIN2 (axin 2; minus strand). Cytogenetic location: 17q24.1.
Variant type: single nucleotide variant.
Coding change: c.490C>G on transcript NM_004655.4 (MANE Select); coding-DNA position 490, C replaced by G.
Protein change: p.Gln164Glu; replaces glutamine 164 with glutamic acid.
Molecular consequence: missense variant.
Genome position (GRCh38, 1-based): chr17:65,558,131, G>C on the plus strand (C>G on the coding strand, the complement: AXIN2 is on the minus strand). VCF-style: chr17-65558131-G-C. GRCh37 (hg19) VCF-style: chr17-63554249-G-C.
Other names: c.490C>G, p.Gln164Glu (NM_001363813.1); short protein forms Q164E.
Identifiers: ClinVar variation 2825395 (VCV002825395.3), dbSNP rs2144585275, ClinGen allele CA400681197.

ClinVar aggregate classification (germline): Uncertain significance (1 of 4 stars; one submission).

Conditions:
Oligodontia-cancer predisposition syndrome. Also called: TOOTH AGENESIS-COLORECTAL CANCER SYNDROME. Identifiers: Orphanet 300576, MedGen C1837750, MONDO:0012075, OMIM 608615. Disease mechanism: loss of function.

Submission:

Labcorp Genetics (formerly Invitae), Labcorp
Classification: Uncertain significance for Oligodontia-cancer predisposition syndrome. Last evaluated: 2023-01-11. Review status: criteria provided, single submitter. Criteria: Invitae Variant Classification Sherloc (09022015). Collection method: clinical testing. Allele origin: germline.
Comment: In summary, the available evidence is currently insufficient to determine the role of this variant in disease. Therefore, it has been classified as a Variant of Uncertain Significance. Advanced modeling of protein sequence and biophysical properties (such as structural, functional, and spatial information, amino acid conservation, physicochemical variation, residue mobility, and thermodynamic stability) performed at Invitae indicates that this missense variant is expected to disrupt AXIN2 protein function. This variant has not been reported in the literature in individuals affected with AXIN2-related conditions. This variant is not present in population databases (gnomAD no frequency). This sequence change replaces glutamine, which is neutral and polar, with glutamic acid, which is acidic and polar, at codon 164 of the AXIN2 protein (p.Gln164Glu).